The following is an entry in ClinVar:

NM_000899.5(KITLG):c.629A>G (p.Asp210Gly)

Gene: KITLG (KIT ligand; minus strand). Cytogenetic location: 12q21.32.
Variant type: single nucleotide variant.
Coding change: c.629A>G on transcript NM_000899.5 (MANE Select); coding-DNA position 629, A replaced by G.
Protein change: p.Asp210Gly; replaces aspartic acid 210 with glycine.
Molecular consequence: missense variant.
Genome position (GRCh38, 1-based): chr12:88,507,113, T>C on the plus strand (A>G on the coding strand, the complement: KITLG is on the minus strand). VCF-style: chr12-88507113-T-C. GRCh37 (hg19) VCF-style: chr12-88900890-T-C.
Other names: c.545A>G, p.Asp182Gly (NM_003994.6); short protein forms D182G, D210G.
Identifiers: ClinVar variation 1325956 (VCV001325956.7), dbSNP rs373521411, ClinGen allele CA6713646.

ClinVar aggregate classification (germline): Uncertain significance. Review status: criteria provided, multiple submitters, no conflicts (2 of 4 stars). 4 submissions from 4 submitters: Uncertain significance (4). Last evaluated 2026-08-22.

Conditions:
Inborn genetic diseases. Identifiers: MedGen C0950123, MeSH D030342.
KITLG-related disorder. Also called: KITLG-related condition.

Allele frequency attached by ClinVar (database versions not stated): gnomAD exomes 0.00001 and 0.00002; ExAC 0.00002; TOPMed 0.00002; gnomAD 0.00003; ESP Exome Variant Server 0.00008.
gnomAD v4.1: 24 of 1,612,564 alleles (0.0015%); highest among the groups gnomAD compares: Non-Finnish European, 0.0014%; no homozygotes.

Submissions (4):

PreventionGenetics, part of Exact Sciences
Classification: Uncertain significance for KITLG-related condition. Last evaluated: 2026-08-22. Review status: criteria provided, single submitter. Criteria: ACMG Guidelines, 2015. Collection method: clinical testing. Allele origin: germline.
Comment: The KITLG c.629A>G variant is predicted to result in the amino acid substitution p.Asp210Gly. To our knowledge, this variant has not been reported in the literature. This variant is reported in 0.020% of alleles in individuals of Ashkenazi Jewish descent in gnomAD. At this time, the clinical significance of this variant is uncertain due to the absence of conclusive functional and genetic evidence.

Labcorp Genetics (formerly Invitae), Labcorp
Classification: Uncertain significance. Last evaluated: 2024-11-18. Review status: criteria provided, single submitter. Criteria: Invitae Variant Classification Sherloc (09022015). Collection method: clinical testing. Allele origin: germline.
Comment: This sequence change replaces aspartic acid, which is acidic and polar, with glycine, which is neutral and non-polar, at codon 210 of the KITLG protein (p.Asp210Gly). This variant is present in population databases (rs373521411, gnomAD 0.02%). This variant has not been reported in the literature in individuals affected with KITLG-related conditions. ClinVar contains an entry for this variant (Variation ID: 1325956). Invitae Evidence Modeling of protein sequence and biophysical properties (such as structural, functional, and spatial information, amino acid conservation, physicochemical variation, residue mobility, and thermodynamic stability) indicates that this missense variant is not expected to disrupt KITLG protein function with a negative predictive value of 80%. In summary, the available evidence is currently insufficient to determine the role of this variant in disease. Therefore, it has been classified as a Variant of Uncertain Significance.

Ambry Genetics
Classification: Uncertain significance for Inborn genetic diseases. Last evaluated: 2022-12-21. Review status: criteria provided, single submitter. Criteria: Ambry Variant Classification Scheme 2023. Collection method: clinical testing. Allele origin: germline.

GeneDx
Classification: Uncertain significance. Last evaluated: 2021-11-19. Review status: criteria provided, single submitter. Criteria: GeneDx Variant Classification Process June 2021. Collection method: clinical testing. Allele origin: germline. Affected: yes.
Comment: In silico analysis supports that this missense variant does not alter protein structure/function; Has not been previously published as pathogenic or benign to our knowledge